The following is an entry in ClinVar:

ClinVar aggregate classification (germline): Uncertain significance. Review status: criteria provided, multiple submitters, no conflicts (2 of 4 stars). 2 submissions from 2 submitters: Uncertain significance (2). Last evaluated 2025-10-21.

Allele frequency attached by ClinVar (database versions not stated): ExAC 0.00002; gnomAD 0.00005; TOPMed 0.00008; 1000 Genomes Project 30x 0.00016; 1000 Genomes Project 0.00020.
gnomAD v4.1: 25 of 1,613,670 alleles (0.0015%); highest among the groups gnomAD compares: African/African-American, 0.024%; no homozygotes.

Submissions (2):

Ambry Genetics
Classification: Uncertain significance. Last evaluated: 2025-10-21. Review status: criteria provided, single submitter. Criteria: Ambry Variant Classification Scheme 2023. Collection method: clinical testing. Allele origin: germline.

Labcorp Genetics (formerly Invitae), Labcorp
Classification: Uncertain significance. Last evaluated: 2025-05-27. Review status: criteria provided, single submitter. Criteria: Invitae Variant Classification Sherloc (09022015). Collection method: clinical testing. Allele origin: germline.
Comment: This sequence change replaces asparagine, which is neutral and polar, with serine, which is neutral and polar, at codon 107 of the CIB1 protein (p.Asn107Ser). This variant is present in population databases (rs557352577, gnomAD 0.02%). This variant has not been reported in the literature in individuals affected with CIB1-related conditions. ClinVar contains an entry for this variant (Variation ID: 1946450). Experimental studies and prediction algorithms are not available or were not evaluated, and the functional significance of this variant is currently unknown. In summary, the available evidence is currently insufficient to determine the role of this variant in disease. Therefore, it has been classified as a Variant of Uncertain Significance.

NM_006384.4(CIB1):c.200A>G (p.Asn67Ser)

Gene: CIB1 (calcium and integrin binding 1; minus strand). Cytogenetic location: 15q26.1.
Variant type: single nucleotide variant.
Coding change: c.200A>G on transcript NM_006384.4 (MANE Select); coding-DNA position 200, A replaced by G.
Protein change: p.Asn67Ser; replaces asparagine 67 with serine.
Molecular consequence: missense variant. On other transcripts: non-coding transcript variant (2).
Genome position (GRCh38, 1-based): chr15:90,231,503, T>C on the plus strand (A>G on the coding strand, the complement: CIB1 is on the minus strand). VCF-style: chr15-90231503-T-C. GRCh37 (hg19) VCF-style: chr15-90774735-T-C.
Other names: c.200A>G (NM_006384.3); c.320A>G, p.Asn107Ser (NM_001277764.2); short protein forms N67S, N107S.
Identifiers: ClinVar variation 1946450 (VCV001946450.6), dbSNP rs557352577, ClinGen allele CA7734261.
Genomic context (GRCh38, chr15:90,231,503, plus strand): 5'-CTAAGGCTGTCTTTGGCTGGGGATGTGGAGAAGACCCTGCAGATTCGCTCCTTGAAGGGG[T>C]TGGCCTAGGAGAACAAACGCCACAGGACGTGGCCCAGGTCACACGCTCATTAAAGCCTAC-3'
Protein context (NP_006375.2, residues 57-77): QILSLPELKA[Asn67Ser]PFKERICRVF